The following is an entry in ClinVar:

ClinVar aggregate classification (germline): Uncertain significance. Review status: criteria provided, single submitter (1 of 4 stars). 2 submissions from 2 submitters: Uncertain significance (1). 1 of the submissions does not count toward it. Last evaluated 2022-03-09.

Conditions:
Autosomal recessive limb-girdle muscular dystrophy type 2B (LGMDR2). Also called: Limb-Girdle Muscular Dystrophy Type 2B (LGMD2B); MUSCULAR DYSTROPHY, LIMB-GIRDLE, TYPE 3; Limb-girdle muscular dystrophy, type 2B; MUSCULAR DYSTROPHY, LIMB-GIRDLE, AUTOSOMAL RECESSIVE 2. Identifiers: Orphanet 268, MedGen C1850889, MONDO:0009676, OMIM 253601.
Neuromuscular disease caused by qualitative or quantitative defects of dysferlin. Also called: Qualitative or quantitative defects of dysferlin; Dysferlinopathy. Identifiers: Orphanet 207073, MedGen C2931687, MONDO:0016145.

Allele frequency attached by ClinVar (database versions not stated): TOPMed below 0.00001.

Submissions (2):

Labcorp Genetics (formerly Invitae), Labcorp
Classification: Uncertain significance for Neuromuscular disease caused by qualitative or quantitative defects of dysferlin. Last evaluated: 2022-03-09. Review status: criteria provided, single submitter. Criteria: Invitae Variant Classification Sherloc (09022015). Collection method: clinical testing. Allele origin: germline.
Comment: This sequence change replaces glutamine, which is neutral and polar, with lysine, which is basic and polar, at codon 832 of the DYSF protein (p.Gln832Lys). This variant is not present in population databases (gnomAD no frequency). This variant has not been reported in the literature in individuals affected with DYSF-related conditions. ClinVar contains an entry for this variant (Variation ID: 471286). Advanced modeling of protein sequence and biophysical properties (such as structural, functional, and spatial information, amino acid conservation, physicochemical variation, residue mobility, and thermodynamic stability) performed at Invitae indicates that this missense variant is not expected to disrupt DYSF protein function. In summary, the available evidence is currently insufficient to determine the role of this variant in disease. Therefore, it has been classified as a Variant of Uncertain Significance.

Natera, Inc.
Classification: Uncertain significance for Limb-girdle muscular dystrophy type 2B. Last evaluated: 2021-04-07. Review status: no assertion criteria provided. Collection method: clinical testing. Allele origin: germline. Not counted in ClinVar's aggregate classification.

NM_001130987.2(DYSF):c.2548C>A (p.Gln850Lys)

Gene: DYSF (dysferlin; plus strand). Cytogenetic location: 2p13.2.
Variant type: single nucleotide variant.
Coding change: c.2548C>A on transcript NM_001130987.2 (MANE Select); coding-DNA position 2548, C replaced by A.
Protein change: p.Gln850Lys; replaces glutamine 850 with lysine.
Molecular consequence: missense variant.
Genome position (GRCh38, 1-based): chr2:71,564,196, C>A. VCF-style: chr2-71564196-C-A. GRCh37 (hg19) VCF-style: chr2-71791326-C-A.
Other names: c.2497C>A, p.Gln833Lys (NM_001130455.2, NM_001130983.2); c.2452C>A, p.Gln818Lys (NM_001130976.2, NM_001130977.2); c.2494C>A, p.Gln832Lys (NM_001130978.2, NM_003494.4); c.2587C>A, p.Gln863Lys (NM_001130979.2); c.2545C>A, p.Gln849Lys (NM_001130980.2, NM_001130981.2); c.2590C>A, p.Gln864Lys (NM_001130982.2); c.2455C>A, p.Gln819Lys (NM_001130984.2, NM_001130986.2); c.2548C>A, p.Gln850Lys (NM_001130985.2); short protein forms Q850K, Q832K, Q819K, Q833K, Q849K, Q863K, Q818K, Q864K.
Identifiers: ClinVar variation 471286 (VCV000471286.7), dbSNP rs199543257, ClinGen allele CA347211807.